The following is an entry in ClinVar:

ClinVar aggregate classification (germline): Pathogenic/Likely pathogenic. Review status: criteria provided, multiple submitters, no conflicts (2 of 4 stars). 6 submissions from 6 submitters: Pathogenic (4); Likely pathogenic (1). 1 of the submissions does not count toward it. Last evaluated 2025-10-21.

Conditions:
DNAH5-related disorders.
Primary ciliary dyskinesia. Also called: Ciliary dyskinesia. Identifiers: Orphanet 244, MedGen C0008780, MONDO:0016575, HP:0012265.
Primary ciliary dyskinesia 3. Identifiers: Orphanet 244, MedGen C1837618, MONDO:0012085, OMIM 608644.

Allele frequency attached by ClinVar (database versions not stated): ExAC 0.00002; gnomAD 0.00003; gnomAD exomes 0.00003 and 0.00004; TOPMed 0.00004.
gnomAD v4.1: 43 of 1,612,626 alleles (0.0027%); highest among the groups gnomAD compares: Admixed American, 0.01%; no homozygotes.

Submissions (6):

Natera, Inc.
Classification: Pathogenic for Primary ciliary dyskinesia. Last evaluated: 2025-10-21. Review status: criteria provided, single submitter. Criteria: Natera Variant Classification Schema (03/2026). Collection method: clinical testing. Allele origin: germline.
Comment: The c.5710-2A>G variant in DNAH5 is a canonical splice acceptor site variant predicted to affect pre-mRNA splicing, which may result in an abnormal transcript and altered protein product. This variant is expected to result in nonsense mediated decay, truncation, or a dysfunctional protein product. This variant is rare in the general population with a frequency below the threshold expected for the associated phenotype(s). This variant has been observed in one or more individuals affected with the associated recessive disease, as either homozygous or compound heterozygous with a second variant (PMID: 31879361). Given the available evidence, this variant is classified as Pathogenic.

Labcorp Genetics (formerly Invitae), Labcorp
Classification: Pathogenic for Primary ciliary dyskinesia. Last evaluated: 2025-07-29. Review status: criteria provided, single submitter. Criteria: Invitae Variant Classification Sherloc (09022015). Collection method: clinical testing. Allele origin: germline.
Comment: This sequence change affects an acceptor splice site in intron 34 of the DNAH5 gene. It is expected to disrupt RNA splicing. Variants that disrupt the donor or acceptor splice site typically lead to a loss of protein function (PMID: 16199547), and loss-of-function variants in DNAH5 are known to be pathogenic (PMID: 11788826, 16627867). This variant is present in population databases (rs548521732, gnomAD 0.02%). Disruption of this splice site has been observed in individual(s) with primary ciliary dyskinesia (PMID: 19357118, 27637300). ClinVar contains an entry for this variant (Variation ID: 454788). Algorithms developed to predict the effect of sequence changes on RNA splicing suggest that this variant may disrupt the consensus splice site. For these reasons, this variant has been classified as Pathogenic.

GeneDx
Classification: Likely pathogenic. Last evaluated: 2024-12-23. Review status: criteria provided, single submitter. Criteria: GeneDx Variant Classification Process June 2021. Collection method: clinical testing. Allele origin: germline. Affected: yes.
Comment: RNA studies demonstrate a deleterious effect on splicing: the variant leads to a cryptic splice site and in-frame deletion of exon 35 (PMID: 19357118); This variant is associated with the following publications: (PMID: 31589614, 30290127, 30067075, 19357118, 33032373, 27637300, 32111882, 31879361)

Fulgent Genetics
Classification: Pathogenic for Primary ciliary dyskinesia 3. Last evaluated: 2024-04-15. Review status: criteria provided, single submitter. Criteria: ACMG Guidelines, 2015. Collection method: clinical testing. Allele origin: germline.

Blueprint Genetics
Classification: Pathogenic for DNAH5-related disorders. Last evaluated: 2023-03-23. Review status: criteria provided, single submitter. Criteria: ACMG Guidelines, 2015. Collection method: clinical testing. Allele origin: germline. Affected: yes. Observed: 3 variant alleles.

Yale Center for Mendelian Genomics, Yale University
Classification: Likely pathogenic for Primary ciliary dyskinesia. Last evaluated: 2018-08-01. Review status: no assertion criteria provided. Collection method: literature only. Allele origin: germline. Affected: yes. Observed: 1 compound heterozygote. Study: Yale Center for Mendelian Genomics. Not counted in ClinVar's aggregate classification.

Literature cited by the submitters: PubMed 31879361 (cited by Natera, Inc.); PubMed 16199547 (cited by Labcorp Genetics (formerly Invitae), Labcorp); PubMed 11788826 (cited by Labcorp Genetics (formerly Invitae), Labcorp); PubMed 16627867 (cited by Labcorp Genetics (formerly Invitae), Labcorp); PubMed 19357118 (cited by Labcorp Genetics (formerly Invitae), Labcorp); PubMed 27637300 (cited by Labcorp Genetics (formerly Invitae), Labcorp); PubMed 30067075 (cited by Yale Center for Mendelian Genomics, Yale University).

NM_001369.3(DNAH5):c.5710-2A>G

Gene: DNAH5 (dynein axonemal heavy chain 5; minus strand). Cytogenetic location: 5p15.2.
Variant type: single nucleotide variant.
Coding change: c.5710-2A>G on transcript NM_001369.3 (MANE Select); the canonical splice acceptor site of the intron before coding-DNA position 5710, A replaced by G.
Molecular consequence: splice acceptor variant.
Genome position (GRCh38, 1-based): chr5:13,839,530, T>C on the plus strand (A>G on the coding strand, the complement: DNAH5 is on the minus strand). VCF-style: chr5-13839530-T-C. GRCh37 (hg19) VCF-style: chr5-13839639-T-C.
Identifiers: ClinVar variation 454788 (VCV000454788.18), dbSNP rs548521732, ClinGen allele CA3203585.
Genomic context (GRCh38, chr5:13,839,530, plus strand): 5'-TAAAATCTGCACTGTTTCAGCCACTCAAAGTCCATGGGACTCTTGATATGCATATGACAC[T>C]GAAATTCAAAAGGTATATGTTAGAGCTCTGATGAGAATCACTCATTAAATATACACGTTA-3'